The following is an entry in ClinVar:

NM_006214.4(PHYH):c.766_767del (p.Val256fs)

Gene: PHYH (phytanoyl-CoA 2-hydroxylase; minus strand). Cytogenetic location: 10p13.
Variant type: Deletion.
Coding change: c.766_767del on transcript NM_006214.4 (MANE Select); coding-DNA positions 766 to 767, 2 bases deleted (GT; older notation c.766_767delGT).
Protein change: p.Val256fs; shifts the reading frame from valine 256.
Molecular consequence: frameshift variant.
Genome position (GRCh38, 1-based): chr10:13,283,751-13,283,752, AC deleted on the plus strand (GT on the coding strand, the reverse complement: PHYH is on the minus strand); deleting any 2 consecutive bases within chr10:13,283,751-13,283,753 gives the same sequence; the c. name uses the placement nearest the transcript's 3' end. VCF-style (leftmost placement, unchanged base first): chr10-13283750-AAC-A. GRCh37 (hg19) VCF-style: chr10-13325750-AAC-A.
Other names: c.466_467del, p.Val156fs (NM_001037537.2, NM_001323080.2); c.772_773del, p.Val258fs (NM_001323082.2); c.502_503del, p.Val168fs (NM_001323083.2); c.472_473del, p.Val158fs (NM_001323084.2); short protein forms V158fs, V258fs, V156fs, V168fs, V256fs.
Identifiers: ClinVar variation 208603 (VCV000208603.5), dbSNP rs797045100, ClinGen allele CA276015.

ClinVar aggregate classification (germline): Pathogenic/Likely pathogenic. Review status: criteria provided, multiple submitters, no conflicts (2 of 4 stars). 2 submissions from 2 submitters: Pathogenic (1); Likely pathogenic (1). Last evaluated 2024-05-14.

Conditions:
Refsum disease, classic. Also called: PHYH-Related Refsum Disease; PHYTANIC ACID OXIDASE DEFICIENCY; HEREDOPATHIA ATACTICA POLYNEURITIFORMIS; HMSN IV. Identifiers: Orphanet 773, MedGen C5780941, MONDO:1060256, OMIM 266500. Disease mechanism: loss of function.

Submissions (2):

Myriad Genetics, Inc.
Classification: Pathogenic for Refsum disease, classic. Last evaluated: 2024-05-14. Review status: criteria provided, single submitter. Criteria: Myriad Autosomal Dominant, Autosomal Recessive and X-Linked Classification Criteria (2023). Collection method: clinical testing. Allele origin: unknown.
Comment: NM_006214.3(PHYH):c.766_767delGT(V256Ffs*14) is expected to be pathogenic in the context of Refsum disease, PHYH-related. This variant is predicted to lead to an abnormal or absent protein product due to the creation of a premature termination codon in PHYH, a gene where loss-of-function variants are known to be pathogenic. Please note: this variant was assessed in the context of healthy population screening.

Laboratory for Molecular Medicine, Mass General Brigham Personalized Medicine
Classification: Likely pathogenic for Phytanic acid storage disease. Last evaluated: 2014-06-12. Review status: criteria provided, single submitter. Criteria: LMM Criteria. Collection method: clinical testing. Allele origin: germline. Inheritance: Autosomal recessive inheritance. Observed: 1 variant allele. Study: CSER-MedSeq.
Comment: The Val256PhefsX14 variant in PHYH has not been previously identified in the literature or in large population studies. This frameshift variant is predicted to alter the protein’s amino acid sequence beginning at position 256 and lead to a premature termination codon 14 amino acids downstream. This alteration is then predicted to lead to a truncated or absent protein. Complete loss of PHYH function is a known disease mechanism in Refsum disease. In summary, although additional studies are required to fully establish its clinical significance, the Val256PhefsX14 variant is likely pathogenic.